The following is an entry in ClinVar:

ClinVar aggregate classification (germline): Uncertain significance (1 of 4 stars; one submission).

Conditions:
Developmental and epileptic encephalopathy, 30 (DEE30). Also called: Epileptic encephalopathy, early infantile, 30. Identifiers: MedGen C4225360, MONDO:0014595, OMIM 616341.

Submission:

Labcorp Genetics (formerly Invitae), Labcorp
Classification: Uncertain significance for Developmental and epileptic encephalopathy, 30. Last evaluated: 2025-03-25. Review status: criteria provided, single submitter. Criteria: Invitae Variant Classification Sherloc (09022015). Collection method: clinical testing. Allele origin: germline.
Comment: This sequence change replaces histidine, which is basic and polar, with tyrosine, which is neutral and polar, at codon 629 of the SIK1 protein (p.His629Tyr). This variant is not present in population databases (gnomAD no frequency). This variant has not been reported in the literature in individuals affected with SIK1-related conditions. ClinVar contains an entry for this variant (Variation ID: 971408). Invitae Evidence Modeling of protein sequence and biophysical properties (such as structural, functional, and spatial information, amino acid conservation, physicochemical variation, residue mobility, and thermodynamic stability) indicates that this missense variant is not expected to disrupt SIK1 protein function with a negative predictive value of 95%. In summary, the available evidence is currently insufficient to determine the role of this variant in disease. Therefore, it has been classified as a Variant of Uncertain Significance.

NM_173354.5(SIK1):c.1885C>T (p.His629Tyr)

Gene: SIK1 (salt inducible kinase 1; minus strand). Cytogenetic location: 21q22.3.
Variant type: single nucleotide variant.
Coding change: c.1885C>T on transcript NM_173354.5 (MANE Select); coding-DNA position 1885, C replaced by T.
Protein change: p.His629Tyr; replaces histidine 629 with tyrosine.
Molecular consequence: missense variant.
Genome position (GRCh38, 1-based): chr21:43,417,634, G>A on the plus strand (C>T on the coding strand, the complement: SIK1 is on the minus strand). VCF-style: chr21-43417634-G-A. GRCh37 (hg19) VCF-style: chr21-44837514-G-A.
Other names: short protein forms H629Y.
Identifiers: ClinVar variation 971408 (VCV000971408.10), dbSNP rs2081038102, ClinGen allele CA410607097.
Genomic context (GRCh38, chr21:43,417,634, plus strand): 5'-TCCAGCCCTCCCGGCTGCCGGCTGCGCCGCCGTGCAGGCCTGGGCTCTGTGCAGGGGCGT[G>A]GAAGGGGCTCAGGCCGCCCCTGCTGGCCCGGCTGGCGGGGGCCTGGCACACCTGGCGAGC-3'
Protein context (NP_775490.2, residues 619-639): RASRGGLSPF[His629Tyr]APAQSPGLHG